The following is an entry in ClinVar:

NM_000138.5(FBN1):c.1285C>T (p.Arg429Ter)

Gene: FBN1 (fibrillin 1; minus strand). Cytogenetic location: 15q21.1.
Variant type: single nucleotide variant.
Coding change: c.1285C>T on transcript NM_000138.5 (MANE Select); coding-DNA position 1285, C replaced by T.
Protein change: p.Arg429Ter; replaces arginine 429 with a stop codon.
Molecular consequence: nonsense.
Genome position (GRCh38, 1-based): chr15:48,516,225, G>A on the plus strand (C>T on the coding strand, the complement: FBN1 is on the minus strand). VCF-style: chr15-48516225-G-A. GRCh37 (hg19) VCF-style: chr15-48808422-G-A.
Other names: short protein forms R429*.
Identifiers: ClinVar variation 180351 (VCV000180351.40), dbSNP rs112645512, ClinGen allele CA012048.
Genomic context (GRCh38, chr15:48,516,225, plus strand): 5'-TGATTTTTGAATTCTTACTTGGTGGCTCCCGAGATGGATACAGATATTCCACTGGTGGTC[G>A]AGGGACCGGAATTTGAGGTCCAGGAGGAAAGCCAGGAGGAACAGGGAGAACTGGAGGAAT-3'

ClinVar aggregate classification (germline): Pathogenic/Likely pathogenic. Review status: criteria provided, multiple submitters, no conflicts (2 of 4 stars). 12 submissions from 12 submitters: Pathogenic (9); Likely pathogenic (1). 2 of the submissions do not count toward it. Last evaluated 2025-03-04.

Conditions:
Progeroid and marfanoid aspect-lipodystrophy syndrome. Also called: MARFANOID-PROGEROID SYNDROME; MARFAN-PROGEROID-LIPODYSTROPHY SYNDROME; Marfan lipodystrophy syndrome; MARFANOID-PROGEROID-LIPODYSTROPHY SYNDROME. Identifiers: Orphanet 300382, MedGen C4310796, MONDO:0014831, OMIM 616914.
Marfan Syndrome/Loeys-Dietz Syndrome/Familial Thoracic Aortic Aneurysms and Dissections. Identifiers: MedGen CN229799.
Marfan syndrome (MFS). Also called: Marfan syndrome, classic; FBN1-Related Marfan Syndrome; Marfan syndrome type 1; Marfan's syndrome; MARFAN SYNDROME, TYPE I. Identifiers: Orphanet 284963, Orphanet 558, MedGen C0024796, MONDO:0007947, OMIM 154700.
MASS syndrome (OCTD). Also called: OVERLAP CONNECTIVE TISSUE DISEASE; MASS PHENOTYPE. Identifiers: MedGen C1858556, MONDO:0011431, OMIM 604308.
Weill-Marchesani syndrome 2, dominant. Also called: Weill-Marchesani Syndrome, Autosomal Dominant; FBN1-Related Weill-Marchesani Syndrome. Identifiers: Orphanet 2084, MedGen C1869115, MONDO:0012013, OMIM 608328.
Acromicric dysplasia (ACMICD). Also called: Acromicric skeletal dysplasia. Identifiers: Orphanet 969, MedGen C0265287, MONDO:0007055, OMIM 102370.
Ectopia lentis 1, isolated, autosomal dominant (ECTOL1). Identifiers: Orphanet 1885, MedGen C3541518, MONDO:0007514, OMIM 129600.
Stiff skin syndrome (SSKS). Identifiers: Orphanet 2833, MedGen C1861456, MONDO:0008492, OMIM 184900.
Geleophysic dysplasia 2 (GPHYSD2). Identifiers: Orphanet 2623, MedGen C3280054, MONDO:0013612, OMIM 614185.
Familial thoracic aortic aneurysm and aortic dissection (TAAD). Also called: Thoracic aortic aneurysms and dissections. Identifiers: Orphanet 91387, MedGen C4707243, MONDO:0019625.
FBN1-related disorder. Also called: FBN1-related disorders.

Submissions (12):

Labcorp Genetics (formerly Invitae), Labcorp
Classification: Pathogenic for Marfan syndrome; Familial thoracic aortic aneurysm and aortic dissection. Last evaluated: 2025-03-04. Review status: criteria provided, single submitter. Criteria: Invitae Variant Classification Sherloc (09022015). Collection method: clinical testing. Allele origin: germline.
Comment: This sequence change creates a premature translational stop signal (p.Arg429*) in the FBN1 gene. It is expected to result in an absent or disrupted protein product. Loss-of-function variants in FBN1 are known to be pathogenic (PMID: 17657824, 19293843). This variant is not present in population databases (gnomAD no frequency). This premature translational stop signal has been observed in individuals with Marfan syndrome or suspected Marfan syndrome (PMID: 12402346, 16835936, 18435798, 19618372, 27234404). ClinVar contains an entry for this variant (Variation ID: 180351). For these reasons, this variant has been classified as Pathogenic.

Women's Health and Genetics/Laboratory Corporation of America, LabCorp
Classification: Pathogenic for Marfan Syndrome/Loeys-Dietz Syndrome/Familial Thoracic Aortic Aneurysms and Dissections. Last evaluated: 2024-04-02. Review status: criteria provided, single submitter. Criteria: LabCorp Variant Classification Summary - May 2015. Collection method: clinical testing. Allele origin: germline.
Comment: Variant summary: FBN1 c.1285C>T (p.Arg429X) results in a premature termination codon, predicted to cause absence of the protein due to nonsense mediated decay, which is a commonly known mechanism for disease. The variant was absent in 251556 control chromosomes. c.1285C>T has been reported in the literature in individuals affected with Marfan Syndrome (example, Matyas_2002, Rommel_2002, Collod-Beroud_2003, Rommel_2005, Sakai_2006, Attanasio_ 2008, Magyar_2009, Stheneur_2009). These data indicate that the variant is very likely to be associated with disease. To our knowledge, no experimental evidence demonstrating an impact on protein function has been reported. The following publications have been ascertained in the context of this evaluation (PMID: 11933199, 12402346, 12938084, 16220557, 16835936, 18435798, 19293843, 19618372). ClinVar contains an entry for this variant (Variation ID: 180351). Based on the evidence outlined above, the variant was classified as pathogenic.

Victorian Clinical Genetics Services, Murdoch Childrens Research Institute
Classification: Pathogenic for Marfan syndrome. Last evaluated: 2023-07-17. Review status: criteria provided, single submitter. Criteria: ACMG Guidelines, 2015. Collection method: clinical testing. Allele origin: germline. Inheritance: Autosomal dominant inheritance. Affected: yes.
Comment: Based on the classification scheme VCGS_Germline_v1.3.4, this variant is classified as Pathogenic. Following criteria are met: 0103 - Dominant negative and loss of function are known mechanisms of disease in this gene and are associated with FBN1-related disease. Variants predicted to result in nonsense mediated decay cause loss of function effects, and are more commonly associated with severe Marfan syndrome (MIM#154700). Missense variants with both dominant negative and loss of function effects on protein function, are associated with Marfan syndrome and ectopia lentis (MIM#129600) (OMIM, PMID: 29357934). The exact genotype-phenotype correlation for this gene is still unclear, and is compounded by variable expressivity (PMID: 20301510). (I) 0107 - This gene is predominantly associated with autosomal dominant disease; autosomal recessive forms of Marfan syndrome have rarely been reported (PMID: 27274304; 31950671). (I) 0115 - Variants in this gene are known to have variable expressivity. The genotype-phenotype correlations for this gene are unclear, with single variants reported in patients with a range of phenotypes (PMID: 20301510, OMIM). (I) 0201 - Variant is predicted to cause nonsense-mediated decay (NMD) and loss of protein (premature termination codon is located at least 54 nucleotides upstream of the final exon-exon junction). (SP) 0251 - This variant is heterozygous. (I) 0301 - Variant is absent from gnomAD (both v2 and v3). (SP) 0701 - Other NMD predicted variants comparable to the one identified in this case have very strong previous evidence for pathogenicity (DECIPHER). (SP) 0801 - This variant has strong previous evidence of pathogenicity in unrelated individuals. This variant has been reported multiple times as pathogenic/likely pathogenic in ClinVar. (SP) 1208 - Inheritance information for this variant is not currently available in this individual. (I) Legend: (SP) - Supporting pathogenic, (I) - Information, (SB) - Supporting benign

Pittsburgh Clinical Genomics Laboratory, University of Pittsburgh Medical Center
Classification: Pathogenic for Progeroid and marfanoid aspect-lipodystrophy syndrome. Last evaluated: 2023-04-25. Review status: criteria provided, single submitter. Criteria: ACMG Guidelines, 2015. Collection method: clinical testing. Allele origin: germline. Inheritance: Autosomal dominant inheritance. Affected: yes.
Comment: This sequence variant is a single base substitution (C>T) at coding nucleotide 1285 of the FBN1 gene that replaces the Arg429 codon with a premature termition sigl. As it occurs in exon 11 of 66, this variant is predicted to generate a non-functiol allele through the expression of a truncated protein or a loss of FBN1 expression due to nonsense-mediated decay. This is a previously reported variant (ClinVar) which has been observed in multiple individuals with Marfan syndrome (PMID: 12402346, 18435798, 19618372, 25101912, 27234404). This variant is absent from the gnomAD population database (0/~282000 alleles). Based on the evidence, we consider this variant to be pathogenic. ACMG Criteria: PM2, PP4, PS4, PVS1

Blueprint Genetics
Classification: Pathogenic for FBN1-related disorders. Last evaluated: 2022-10-18. Review status: criteria provided, single submitter. Criteria: ACMG Guidelines, 2015. Collection method: clinical testing. Allele origin: germline. Affected: yes. Observed: 3 variant alleles.

Fulgent Genetics
Classification: Likely pathogenic for Acromicric dysplasia; Ectopia lentis 1, isolated, autosomal dominant; Marfan syndrome; Stiff skin syndrome; MASS syndrome; Weill-Marchesani syndrome 2, dominant; Geleophysic dysplasia 2; Progeroid and marfanoid aspect-lipodystrophy syndrome. Last evaluated: 2021-12-20. Review status: criteria provided, single submitter. Criteria: ACMG Guidelines, 2015. Collection method: clinical testing. Allele origin: unknown.

GeneDx
Classification: Pathogenic. Last evaluated: 2021-09-03. Review status: criteria provided, single submitter. Criteria: GeneDx Variant Classification Process June 2021. Collection method: clinical testing. Allele origin: germline. Affected: yes.
Comment: Not observed at significant frequency in large population cohorts (Lek et al., 2016); Nonsense variant predicted to result in protein truncation or nonsense mediated decay in a gene for which loss-of-function is a known mechanism of disease; Reported as pathogenic by other clinical laboratories in ClinVar (ClinVar Variant ID# 180351; Landrum et al., 2016); This variant is associated with the following publications: (PMID: 19293843, 31098894, 27611364, 19618372, 25101912, 12402346, 18435798, 25525159, 11933199, 16835936)

Ambry Genetics
Classification: Pathogenic for Familial thoracic aortic aneurysm and aortic dissection. Last evaluated: 2021-06-21. Review status: criteria provided, single submitter. Criteria: Ambry Variant Classification Scheme 2023. Collection method: clinical testing. Allele origin: germline.
Comment: The p.R429* pathogenic mutation (also known as c.1285C>T), located in coding exon 10 of the FBN1 gene, results from a C to T substitution at nucleotide position 1285. This changes the amino acid from an arginine to a stop codon within coding exon 10. This mutation has been reported in several unrelated individuals with classical Marfan syndrome and in one study had confirmed segregation with disease (Matyas G et al. Hum Mutat. 2002;19(4):443-456; Rommel K et al. Hum Mutat. 2002;20(5):406-407; Baudhuin LM et al. J. Hum. Genet., 2015 May;60:241-52). In addition to the clinical data presented in the literature, this alteration is expected to result in loss of function by premature protein truncation or nonsense-mediated mRNA decay. As such, this alteration is interpreted as a disease-causing mutation.

Centre of Medical Genetics, University of Antwerp
Classification: Pathogenic for Marfan syndrome. Last evaluated: 2021-03-01. Review status: criteria provided, single submitter. Criteria: Submitter's publication. Collection method: research. Allele origin: unknown. Affected: yes.
Comment: PM2, PVS1, PP4

Center for Human Genetics, Inc
Classification: Pathogenic for Marfan syndrome. Last evaluated: 2016-11-01. Review status: criteria provided, single submitter. Criteria: ACMG Guidelines, 2015. Collection method: clinical testing. Allele origin: germline. Affected: yes.

Heart Medical Centre, First Affiliated Hospital  of Gannan Medical University
Classification: Pathogenic for Marfan syndrome. Last evaluated: 2021-12-28. Review status: no assertion criteria provided. Collection method: clinical testing. Allele origin: inherited. Affected: yes. Not counted in ClinVar's aggregate classification.

Center for Medical Genetics Ghent, University of Ghent
Classification: Likely pathogenic for Marfan syndrome. Last evaluated: 2017-11-07. Review status: no assertion criteria provided. Collection method: clinical testing. Allele origin: germline. Affected: yes. Not counted in ClinVar's aggregate classification.

Literature cited by the submitters: PubMed 17657824 (cited by Labcorp Genetics (formerly Invitae), Labcorp); PubMed 19293843 (cited by Labcorp Genetics (formerly Invitae), Labcorp and Women's Health and Genetics/Laboratory Corporation of America, LabCorp); PubMed 12402346 (cited by 4 submitters); PubMed 16835936 (cited by 3 submitters); PubMed 18435798 (cited by 4 submitters); PubMed 19618372 (cited by 3 submitters); PubMed 27234404 (cited by Labcorp Genetics (formerly Invitae), Labcorp and Pittsburgh Clinical Genomics Laboratory, University of Pittsburgh Medical Center); PubMed 11933199 (cited by Women's Health and Genetics/Laboratory Corporation of America, LabCorp and Ambry Genetics); PubMed 12938084 (cited by Women's Health and Genetics/Laboratory Corporation of America, LabCorp); PubMed 16220557 (cited by Women's Health and Genetics/Laboratory Corporation of America, LabCorp); NCBI Bookshelf NBK1335 (cited by Victorian Clinical Genetics Services, Murdoch Childrens Research Institute); PubMed 20301510 (cited by Victorian Clinical Genetics Services, Murdoch Childrens Research Institute); PubMed 27274304 (cited by Victorian Clinical Genetics Services, Murdoch Childrens Research Institute); PubMed 29357934 (cited by Victorian Clinical Genetics Services, Murdoch Childrens Research Institute); PubMed 31950671 (cited by Victorian Clinical Genetics Services, Murdoch Childrens Research Institute); PubMed 25101912 (cited by Pittsburgh Clinical Genomics Laboratory, University of Pittsburgh Medical Center and Ambry Genetics).